The following is an entry in ClinVar:

ClinVar aggregate classification (germline): Uncertain significance (1 of 4 stars; one submission).

Conditions:
Symmetrical dyschromatosis of extremities (DSH). Also called: DYSCHROMATOSIS SYMMETRICA HEREDITARIA 1; RETICULATE ACROPIGMENTATION OF DOHI; SYMMETRIC DYSCHROMATOSIS OF THE EXTREMITIES; Dyschromatosis symmetrica hereditaria. Identifiers: Orphanet 41, MedGen C0406775, MONDO:0007483, OMIM 127400.
Aicardi-Goutieres syndrome 6 (AGS6). Identifiers: Orphanet 51, MedGen C3539013, MONDO:0014007, OMIM 615010.

gnomAD v4.1: 2 of 1,614,000 alleles (0.00012%); highest among the groups gnomAD compares: Admixed American, 0.0017%; no homozygotes.

Submission:

Labcorp Genetics (formerly Invitae), Labcorp
Classification: Uncertain significance for Aicardi-Goutieres syndrome 6; Symmetrical dyschromatosis of extremities. Last evaluated: 2024-02-25. Review status: criteria provided, single submitter. Criteria: Invitae Variant Classification Sherloc (09022015). Collection method: clinical testing. Allele origin: germline.
Comment: This sequence change replaces valine, which is neutral and non-polar, with methionine, which is neutral and non-polar, at codon 333 of the ADAR protein (p.Val333Met). This variant is present in population databases (no rsID available, gnomAD 0.003%). This missense change has been observed in individual(s) with clinical features of dyschromatosis symmetrica hereditaria (PMID: 31423758). This variant is also known as p.Val332Met. Advanced modeling of protein sequence and biophysical properties (such as structural, functional, and spatial information, amino acid conservation, physicochemical variation, residue mobility, and thermodynamic stability) performed at Invitae indicates that this missense variant is not expected to disrupt ADAR protein function with a negative predictive value of 80%. In summary, the available evidence is currently insufficient to determine the role of this variant in disease. Therefore, it has been classified as a Variant of Uncertain Significance.

Literature cited by the submitters: PubMed 31423758.

NM_001111.5(ADAR):c.997G>A (p.Val333Met)

Gene: ADAR (adenosine deaminase RNA specific; minus strand). Cytogenetic location: 1q21.3.
Variant type: single nucleotide variant.
Coding change: c.997G>A on transcript NM_001111.5 (MANE Select); coding-DNA position 997, G replaced by A.
Protein change: p.Val333Met; replaces valine 333 with methionine.
Molecular consequence: missense variant.
Genome position (GRCh38, 1-based): chr1:154,601,645, C>T on the plus strand (G>A on the coding strand, the complement: ADAR is on the minus strand). VCF-style: chr1-154601645-C-T. GRCh37 (hg19) VCF-style: chr1-154574121-C-T.
Other names: c.112G>A, p.Val38Met (NM_001025107.3, NM_001193495.2, NM_001365046.1 and 3 more transcripts); c.1024G>A, p.Val342Met (NM_001365045.1); c.997G>A, p.Val333Met (NM_015840.4, NM_015841.4); short protein forms V333M, V342M, V38M.
Identifiers: ClinVar variation 3763120 (VCV003763120.2).
Genomic context (GRCh38, chr1:154,601,645, plus strand): 5'-ATATGGGAGGGGTTGTCCCTTGTCTATAGACATCCCCCTGCCTTTCCATGTCAATTAGCA[C>T]AGCATTTATATCTCGGGCCTTGGTAAGGCCAATATTTTTAGCCAAATTCAGGGCAGAGGA-3'
Protein context (NP_001102.3, residues 323-343): GLTKARDINA[Val333Met]LIDMERQGDV